The following is an entry in ClinVar:

ClinVar aggregate classification (germline): Uncertain significance (1 of 4 stars; one submission).

Conditions:
Hereditary cancer-predisposing syndrome. Also called: Neoplastic Syndromes, Hereditary; Tumor predisposition; Hereditary Cancer Syndrome; Hereditary neoplastic syndrome. Identifiers: Orphanet 140162, MedGen C0027672, MeSH D009386, MONDO:0015356.

Submission:

Ambry Genetics
Classification: Uncertain significance for Hereditary cancer-predisposing syndrome. Last evaluated: 2022-08-01. Review status: criteria provided, single submitter. Criteria: Ambry Variant Classification Scheme 2023. Collection method: clinical testing. Allele origin: germline.
Comment: The p.T121S variant (also known as c.361A>T), located in coding exon 4 of the BMPR1A gene, results from an A to T substitution at nucleotide position 361. The threonine at codon 121 is replaced by serine, an amino acid with similar properties. This amino acid position is conserved. In addition, the in silico prediction for this alteration is inconclusive. Since supporting evidence is limited at this time, the clinical significance of this alteration remains unclear.

NM_004329.3(BMPR1A):c.361A>T (p.Thr121Ser)

Gene: BMPR1A (bone morphogenetic protein receptor type 1A; plus strand). Cytogenetic location: 10q23.2.
Variant type: single nucleotide variant.
Coding change: c.361A>T on transcript NM_004329.3 (MANE Select); coding-DNA position 361, A replaced by T.
Protein change: p.Thr121Ser; replaces threonine 121 with serine.
Molecular consequence: missense variant.
Genome position (GRCh38, 1-based): chr10:86,899,821, A>T. VCF-style: chr10-86899821-A-T. GRCh37 (hg19) VCF-style: chr10-88659578-A-T.
Other names: c.361A>T, p.Thr121Ser (NM_001406559.1, NM_001406560.1, NM_001406561.1 and 22 more transcripts); c.277A>T, p.Thr93Ser (NM_001406584.1, NM_001406585.1, NM_001406586.1 and 2 more transcripts); short protein forms T121S, T93S.
Identifiers: ClinVar variation 1733299 (VCV001733299.2), dbSNP rs1589768003, ClinGen allele CA377449389.
Genomic context (GRCh38, chr10:86,899,821, plus strand): 5'-CCATTTCTAATTTTATCATTACTCTTCTTTTAGGATTCTCCAAAAGCCCAGCTACGCCGG[A>T]CAATAGAATGTTGTCGGACCAATTTATGTAACCAGTATTTGCAACCCACACTGCCCCCTG-3'
Protein context (NP_004320.2, residues 111-131): KDSPKAQLRR[Thr121Ser]IECCRTNLCN